The following is an entry in ClinVar:

NM_001386140.1(MTTP):c.618+4T>C

Gene: MTTP (microsomal triglyceride transfer protein; plus strand). Cytogenetic location: 4q23.
Variant type: single nucleotide variant.
Coding change: c.618+4T>C on transcript NM_001386140.1 (MANE Select); 4 bases into the intron after coding-DNA position 618, T replaced by C.
Molecular consequence: intron variant.
Genome position (GRCh38, 1-based): chr4:99,591,355, T>C. VCF-style: chr4-99591355-T-C. GRCh37 (hg19) VCF-style: chr4-100512512-T-C.
Other names: c.618+4T>C (NM_000253.4); c.369+4T>C (NM_001300785.2).
Identifiers: ClinVar variation 1375639 (VCV001375639.3), dbSNP rs746086963, ClinGen allele CA3021896.

ClinVar aggregate classification (germline): Uncertain significance (1 of 4 stars; one submission).

Allele frequency attached by ClinVar (database versions not stated): gnomAD exomes below 0.00001 and 0.00001; ExAC 0.00002.
gnomAD v4.1: 4 of 1,579,230 alleles (0.00025%); highest among the groups gnomAD compares: East Asian, 0.0067%; no homozygotes.

Submission:

Labcorp Genetics (formerly Invitae), Labcorp
Classification: Uncertain significance. Last evaluated: 2021-09-22. Review status: criteria provided, single submitter. Criteria: Invitae Variant Classification Sherloc (09022015). Collection method: clinical testing. Allele origin: germline.
Comment: This sequence change falls in intron 6 of the MTTP gene. It does not directly change the encoded amino acid sequence of the MTTP protein. It affects a nucleotide within the consensus splice site of the intron. This variant is present in population databases (rs746086963, ExAC 0.03%). This variant has not been reported in the literature in individuals affected with MTTP-related conditions. Variants that disrupt the consensus splice site are a relatively common cause of aberrant splicing (PMID: 17576681, 9536098). Algorithms developed to predict the effect of sequence changes on RNA splicing suggest that this variant is not likely to affect RNA splicing. In summary, the available evidence is currently insufficient to determine the role of this variant in disease. Therefore, it has been classified as a Variant of Uncertain Significance.

Literature cited by the submitters: PubMed 17576681; PubMed 9536098.